The following is an entry in ClinVar:

ClinVar aggregate classification (germline): Benign/Likely benign. Review status: criteria provided, multiple submitters, no conflicts (2 of 4 stars). 15 submissions from 15 submitters: Benign (10); Likely benign (2). 3 of the submissions do not count toward it. Last evaluated 2026-02-04.

Conditions:
Inborn genetic diseases. Identifiers: MedGen C0950123, MeSH D030342.
Cohen syndrome (COH1). Also called: PEPPER SYNDROME; Cutis verticis gyrata, retinitis pigmentosa, and sensorineural deafness. Identifiers: Orphanet 193, MedGen C0265223, MONDO:0008999, OMIM 216550.

Allele frequency attached by ClinVar (database versions not stated): gnomAD exomes 0.04587 and 0.05136; TOPMed 0.09344; ESP Exome Variant Server 0.09603; gnomAD 0.09284 and 0.08874; 1000 Genomes Project 0.09006; ExAC 0.05374; 1000 Genomes Project 30x 0.09447.
gnomAD v4.1: 80,833 of 1,613,848 alleles (5%); highest among the groups gnomAD compares: African/African-American, 21%; 3,150 homozygotes.

Submissions (15):

Labcorp Genetics (formerly Invitae), Labcorp
Classification: Benign for Cohen syndrome. Last evaluated: 2026-02-04. Review status: criteria provided, single submitter. Criteria: Invitae Variant Classification Sherloc (09022015). Collection method: clinical testing. Allele origin: germline.

Blueprint Genetics
Classification: Likely benign. Last evaluated: 2024-11-27. Review status: criteria provided, single submitter. Criteria: ACMG Guidelines, 2015. Collection method: clinical testing. Allele origin: germline.

Women's Health and Genetics/Laboratory Corporation of America, LabCorp
Classification: Likely benign. Last evaluated: 2022-12-16. Review status: criteria provided, single submitter. Criteria: LabCorp Variant Classification Summary - May 2015. Collection method: clinical testing. Allele origin: germline.

Mayo Clinic Laboratories, Mayo Clinic
Classification: Benign. Last evaluated: 2018-08-02. Review status: criteria provided, single submitter. Criteria: ACMG Guidelines, 2015. Collection method: clinical testing. Allele origin: germline. Observed: 155 variant alleles.

Illumina Laboratory Services, Illumina
Classification: Benign for Cohen syndrome. Last evaluated: 2018-01-12. Review status: criteria provided, single submitter. Criteria: ICSL Variant Classification Criteria 13 December 2019. Collection method: clinical testing. Allele origin: germline.
Comment: This variant was observed in the ICSL laboratory as part of a predisposition screen in an ostensibly healthy population. It had not been previously curated by ICSL or reported in the Human Gene Mutation Database (HGMD: prior to June 1st, 2018), and was therefore a candidate for classification through an automated scoring system. Utilizing variant allele frequency, disease prevalence and penetrance estimates, and inheritance mode, an automated score was calculated to assess if this variant is too frequent to cause the disease. Based on the score and internal cut-off values, a variant classified as benign is not then subjected to further curation. The score for this variant resulted in a classification of benign for this disease.

Ambry Genetics
Classification: Benign for Inborn genetic diseases. Last evaluated: 2016-04-18. Review status: criteria provided, single submitter. Criteria: Ambry Variant Classification Scheme 2023. Collection method: clinical testing. Allele origin: germline.

Clinical Genetics DNA and cytogenetics Diagnostics Lab, Erasmus MC, Erasmus Medical Center
Classification: Benign for Cohen syndrome. Last evaluated: 2015-09-21. Review status: criteria provided, single submitter. Criteria: ACGS Guidelines, 2013. Collection method: clinical testing. Allele origin: germline. Affected: yes. Study: VKGL Data-share Consensus.

GeneDx
Classification: Benign. Last evaluated: 2015-03-03. Review status: criteria provided, single submitter. Criteria: GeneDx Variant Classification Process June 2021. Collection method: clinical testing. Allele origin: germline. Affected: yes.

Genome Diagnostics Laboratory, University Medical Center Utrecht
Classification: Benign for Cohen syndrome. Last evaluated: 2014-10-09. Review status: criteria provided, single submitter. Criteria: ACGS Guidelines, 2013. Collection method: clinical testing. Allele origin: germline. Affected: yes. Study: VKGL Data-share Consensus.

Eurofins Ntd Llc (ga)
Classification: Benign. Last evaluated: 2012-11-14. Review status: criteria provided, single submitter. Criteria: EGL Classification Definitions 2015. Collection method: clinical testing. Allele origin: germline. Observed: 3 variant alleles, 3 heterozygotes.

Breakthrough Genomics
Classification: Benign. Review status: criteria provided, single submitter. Criteria: ACMG Guidelines, 2015. Collection method: not provided. Allele origin: germline. Inheritance: Autosomal recessive inheritance. Affected: yes.

PreventionGenetics, part of Exact Sciences
Classification: Benign. Review status: criteria provided, single submitter. Criteria: ACMG Guidelines, 2015. Collection method: clinical testing. Allele origin: germline.

Natera, Inc.
Classification: Benign for Cohen syndrome. Last evaluated: 2020-09-16. Review status: no assertion criteria provided. Collection method: clinical testing. Allele origin: germline. Not counted in ClinVar's aggregate classification.

Genetic Services Laboratory, University of Chicago
Classification: Likely benign for AllHighlyPenetrant. Review status: no assertion criteria provided. Collection method: clinical testing. Allele origin: germline. Inheritance: Autosomal recessive inheritance. Not counted in ClinVar's aggregate classification.
Comment: Likely benign based on allele frequency in 1000 Genomes Project or ESP global frequency and its presence in a patient with a rare or unrelated disease phenotype. NOT Sanger confirmed.

Joint Genome Diagnostic Labs from Nijmegen and Maastricht, Radboudumc and MUMC+
Classification: Benign. Review status: no assertion criteria provided. Collection method: clinical testing. Allele origin: germline. Affected: yes. Study: VKGL Data-share Consensus. Not counted in ClinVar's aggregate classification.

NM_152564.5(VPS13B):c.7676T>C (p.Val2559Ala)

Gene: VPS13B (vacuolar protein sorting 13 homolog B; plus strand). Cytogenetic location: 8q22.2.
Variant type: single nucleotide variant.
Coding change: c.7676T>C on transcript NM_152564.5 (MANE Select); coding-DNA position 7676, T replaced by C.
Protein change: p.Val2559Ala; replaces valine 2559 with alanine.
Molecular consequence: missense variant.
Genome position (GRCh38, 1-based): chr8:99,778,928, T>C. VCF-style: chr8-99778928-T-C. GRCh37 (hg19) VCF-style: chr8-100791156-T-C.
Other names: c.7751T>C, p.Val2584Ala (NM_017890.5); short protein forms V2559A.
Identifiers: ClinVar variation 95866 (VCV000095866.34), dbSNP rs7833870, ClinGen allele CA148969.